The following is an entry in ClinVar:

NM_001165963.4(SCN1A):c.3455C>T (p.Ser1152Leu)

Genes: SCN1A (sodium voltage-gated channel alpha subunit 1; minus strand), LOC102724058 (uncharacterized LOC102724058; plus strand). Cytogenetic location: 2q24.3.
Variant type: single nucleotide variant.
Coding change: c.3455C>T on transcript NM_001165963.4 (MANE Select); coding-DNA position 3455, C replaced by T.
Protein change: p.Ser1152Leu; replaces serine 1152 with leucine.
Molecular consequence: missense variant. On other transcripts: non-coding transcript variant (2).
Genome position (GRCh38, 1-based): chr2:166,015,702, G>A on the plus strand (C>T on the coding strand, the complement: SCN1A is on the minus strand). VCF-style: chr2-166015702-G-A. GRCh37 (hg19) VCF-style: chr2-166872212-G-A.
Other names: c.3371C>T, p.Ser1124Leu (NM_001165964.3, NM_001353957.2, NM_001353958.2); c.3455C>T, p.Ser1152Leu (NM_001202435.3, NM_001353948.2); c.3422C>T, p.Ser1141Leu (NM_001353949.2, NM_001353950.2, NM_001353951.2 and 2 more transcripts); c.3419C>T, p.Ser1140Leu (NM_001353954.2, NM_001353955.2); c.3368C>T, p.Ser1123Leu (NM_001353960.2); c.1013C>T, p.Ser338Leu (NM_001353961.2); short protein forms S1123L, S1124L, S1140L, S1141L, S338L, S1152L.
Identifiers: ClinVar variation 2744710 (VCV002744710.3), dbSNP rs794726728, ClinGen allele CA349056786.

ClinVar aggregate classification (germline): Uncertain significance (1 of 4 stars; one submission).

Conditions:
Early-infantile DEE. Also called: Early infantile epileptic encephalopathy with suppression bursts; Early infantile epileptic encephalopathy; Ohtahara syndrome. Identifiers: Orphanet 1934, MedGen C0393706, MONDO:0800491.

Submission:

Labcorp Genetics (formerly Invitae), Labcorp
Classification: Uncertain significance for Early-infantile DEE. Last evaluated: 2023-08-08. Review status: criteria provided, single submitter. Criteria: Invitae Variant Classification Sherloc (09022015). Collection method: clinical testing. Allele origin: germline.
Comment: In summary, the available evidence is currently insufficient to determine the role of this variant in disease. Therefore, it has been classified as a Variant of Uncertain Significance. Advanced modeling of protein sequence and biophysical properties (such as structural, functional, and spatial information, amino acid conservation, physicochemical variation, residue mobility, and thermodynamic stability) performed at Invitae indicates that this missense variant is expected to disrupt SCN1A protein function. This variant has not been reported in the literature in individuals affected with SCN1A-related conditions. This variant is not present in population databases (gnomAD no frequency). This sequence change replaces serine, which is neutral and polar, with leucine, which is neutral and non-polar, at codon 1152 of the SCN1A protein (p.Ser1152Leu).